The following is an entry in ClinVar:

ClinVar aggregate classification (germline): Uncertain significance (1 of 4 stars; one submission).

Conditions:
Tay-Sachs disease (TSD). Also called: GM2 gangliosidosis, type 1; Hexosaminidase alpha-subunit deficiency (variant B); Sphingolipidosis, Tay-Sachs; Hexosaminidase A Deficiency; HEXA DEFICIENCY; HEXA Disorders. Identifiers: Orphanet 845, MedGen C0039373, MONDO:0010100, OMIM 272800.

Allele frequency attached by ClinVar (database versions not stated): ExAC 0.00001; gnomAD 0.00001; gnomAD exomes 0.00001; TOPMed 0.00001.
gnomAD v4.1: 22 of 1,614,130 alleles (0.0014%); highest among the groups gnomAD compares: Non-Finnish European, 0.0017%; no homozygotes.

Submission:

Labcorp Genetics (formerly Invitae), Labcorp
Classification: Uncertain significance for Tay-Sachs disease. Last evaluated: 2018-04-12. Review status: criteria provided, single submitter. Criteria: Invitae Variant Classification Sherloc (09022015). Collection method: clinical testing. Allele origin: germline.
Comment: This sequence change replaces aspartic acid with histidine at codon 492 of the HEXA protein (p.Asp492His). The aspartic acid residue is weakly conserved and there is a moderate physicochemical difference between aspartic acid and histidine. This variant is present in population databases (rs767554113, ExAC 0.001%). This variant has not been reported in the literature in individuals with HEXA-related disease. Algorithms developed to predict the effect of missense changes on protein structure and function do not agree on the potential impact of this missense change (SIFT: "Tolerated"; PolyPhen-2: "Possibly Damaging"; Align-GVGD: "Class C0"). In summary, the available evidence is currently insufficient to determine the role of this variant in disease. Therefore, it has been classified as a Variant of Uncertain Significance.

NM_000520.6(HEXA):c.1474G>C (p.Asp492His)

Gene: HEXA (hexosaminidase subunit alpha; minus strand). Cytogenetic location: 15q23.
Variant type: single nucleotide variant.
Coding change: c.1474G>C on transcript NM_000520.6 (MANE Select); coding-DNA position 1474, G replaced by C.
Protein change: p.Asp492His; replaces aspartic acid 492 with histidine.
Molecular consequence: missense variant. On other transcripts: non-coding transcript variant (1).
Genome position (GRCh38, 1-based): chr15:72,345,498, C>G on the plus strand (G>C on the coding strand, the complement: HEXA is on the minus strand). VCF-style: chr15-72345498-C-G. GRCh37 (hg19) VCF-style: chr15-72637839-C-G.
Other names: c.1507G>C, p.Asp503His (NM_001318825.2); short protein forms D492H, D503H.
Identifiers: ClinVar variation 2168841 (VCV002168841.1), dbSNP rs767554113, ClinGen allele CA7644669.
Genomic context (GRCh38, chr15:72,345,498, plus strand): 5'-TTGCTTACCTCAGCAATTCACAGCGGAAGTGTGACAAACGTTCATAGGCAAATGTCAGGT[C>G]AGATGTCAACTTGTTGCTCCACAGCCTTTCGGCAACAGCCCCTGCTCTGGGCCTGGAGGA-3'
Protein context (NP_000511.2, residues 482-502): ERLWSNKLTS[Asp492His]LTFAYERLSH